The following is an entry in ClinVar:

ClinVar aggregate classification (germline): Pathogenic (1 of 4 stars; one submission).

Conditions:
Congenital myasthenic syndrome 4A. Also called: Myasthenic syndrome, congenital, 4a, slow-channel; CONGENITAL MYASTHENIC SYNDROME TYPE Ia1; MYASTHENIC SYNDROME, CONGENITAL, 4A, SLOW-CHANNEL, AUTOSOMAL RECESSIVE. Identifiers: Orphanet 590, MedGen C4225413, MONDO:0011600, OMIM 605809.

Submission:

Labcorp Genetics (formerly Invitae), Labcorp
Classification: Pathogenic for Congenital myasthenic syndrome 4A. Last evaluated: 2022-07-05. Review status: criteria provided, single submitter. Criteria: Invitae Variant Classification Sherloc (09022015). Collection method: clinical testing. Allele origin: germline.
Comment: This sequence change creates a premature translational stop signal (p.Ala415Argfs*41) in the CHRNE gene. While this is not anticipated to result in nonsense mediated decay, it is expected to disrupt the last 79 amino acid(s) of the CHRNE protein. This variant is not present in population databases (gnomAD no frequency). This variant has not been reported in the literature in individuals affected with CHRNE-related conditions. This variant disrupts a region of the CHRNE protein in which other variant(s) (p.Ala431Pro) have been determined to be pathogenic (PMID: 10962020). This suggests that this is a clinically significant region of the protein, and that variants that disrupt it are likely to be disease-causing. For these reasons, this variant has been classified as Pathogenic.

Literature cited by the submitters: PubMed 10962020.

NM_000080.4(CHRNE):c.1238dup (p.Ala415fs)

Gene: CHRNE (cholinergic receptor nicotinic epsilon subunit; minus strand). Cytogenetic location: 17p13.2.
Variant type: Duplication.
Coding change: c.1238dup on transcript NM_000080.4 (MANE Select); coding-DNA position 1238, one base duplicated (T; older notation c.1238dupT).
Protein change: p.Ala415fs; shifts the reading frame from alanine 415.
Molecular consequence: frameshift variant.
Genome position (GRCh38, 1-based): chr17:4,899,089, A duplicated on the plus strand (T on the coding strand, the reverse complement: CHRNE is on the minus strand). VCF-style (leftmost placement, unchanged base first): chr17-4899088-C-CA. GRCh37 (hg19) VCF-style: chr17-4802383-C-CA.
Other names: short protein forms A415fs.
Identifiers: ClinVar variation 2010867 (VCV002010867.4), dbSNP rs2507539355, ClinGen allele CA2580093530.